The following is an entry in ClinVar:

ClinVar aggregate classification (germline): Uncertain significance. Review status: reviewed by expert panel (3 of 4 stars). 15 submissions from 13 submitters: Uncertain significance (1). 14 of the submissions do not count toward it. Last evaluated 2020-01-10.

Conditions:
CFTR-related disorder (CFTR-RD). Also called: CFTR-related disorders; CFTR-related condition. Identifiers: MedGen C5924204, MONDO:7770004.
Cystic fibrosis (CF). Also called: MUCOVISCIDOSIS. Identifiers: Orphanet 586, MedGen C0010674, MONDO:0009061, OMIM 219700. Disease mechanism: loss of function.
Congenital bilateral aplasia of vas deferens from CFTR mutation (CBAVD). Identifiers: Orphanet 48, MedGen C0403814, MONDO:0010178, OMIM 277180. Disease mechanism: loss of function.
Bronchiectasis with or without elevated sweat chloride 1 (BESC1). Also called: Cystic Fibrosis-Like Syndrome. Identifiers: Orphanet 60033, MedGen C2749757, MONDO:0008887, OMIM 211400.

Allele frequency attached by ClinVar (database versions not stated): ExAC 0.00001; gnomAD 0.00002; gnomAD exomes 0.00002 and 0.00006; ESP Exome Variant Server 0.00008; TOPMed 0.00002.
gnomAD v4.1: 85 of 1,580,492 alleles (0.0054%); highest among the groups gnomAD compares: Non-Finnish European, 0.007%; no homozygotes.

Submissions 1 to 11 of 15:

CFTR2
Classification: Uncertain significance for Cystic fibrosis. Last evaluated: 2020-01-10. Review status: reviewed by expert panel. Criteria: Submitter's publication and website. Collection method: research. Allele origin: germline. Affected: yes.

GeneDx
Classification: Likely pathogenic. Last evaluated: 2026-06-12. Review status: criteria provided, single submitter. Criteria: GeneDx Variant Classification Process June 2021. Collection method: clinical testing. Allele origin: germline. Not counted in ClinVar's aggregate classification.
Comment: Published functional studies demonstrate abnormal splicing resulting in aberrant transcript lacking exon 3 as well as some residual full-length transcript (PMID: 33085659, 29750258); Observed with additional CFTR variants in patients with cystic fibrosis or CFTR-related disorders, but it is not known whether the variants occurred on the same (in cis) or on different (in trans) chromosomes (PMID: 8947061, 19833837, 26574590, 34782259, 32256364); A different variant at this position, c.165-3C>A (reported as 297-3C>A), has been identified in an individual with clinical features of cystic fibrosis who also carried a pathogenic CFTR variant (PMID: 11788090); In silico analysis is inconclusive as to whether the variant alters gene splicing. In the absence of RNA/functional studies, the actual effect of this sequence change is unknown.; Also known as 297-3C>T; This variant is associated with the following publications: (PMID: 28603918, 7550227, 7518409, 29750258, 16617247, 31036917, 8947061, 25087612, 19833837, 26574590, 32126153, 10923036, 32256364, 10982968, 34782259, 34996830, 33085659, 34196078, 39639151, 11788090)

Women's Health and Genetics/Laboratory Corporation of America, LabCorp
Classification: Likely pathogenic for Cystic fibrosis. Last evaluated: 2026-04-24. Review status: criteria provided, single submitter. Criteria: LabCorp Variant Classification Summary - May 2015. Collection method: clinical testing. Allele origin: germline. Not counted in ClinVar's aggregate classification.
Comment: Variant summary: CFTR c.165-3C>T alters a conserved nucleotide located close to a canonical splice site and therefore could affect mRNA splicing, leading to a significantly altered protein sequence. Several computational tools predict a significant impact on normal splicing: Three predict the variant weakens a 3' acceptor site. Two predict the variant no significant impact on splicing. Publications report experimental evidence that this variant affects mRNA splicing (e.g. Bienvenu_1994, Leman_2018, Joynt_2020). The variant allele was found at a frequency of 2.4e-05 in 250574 control chromosomes. c.165-3C>T has been observed in individuals affected with Cystic Fibrosis (e.g. Bienvenu_1994, Oca_2009, Kharrazi_2015, Raraigh_2022). Together, these data indicate that the variant is likely associated with disease. The following publications have been ascertained in the context of this evaluation (PMID: 31036917, 7518409, 7550227, 32256364, 10923036, 8947061, 33085659, 26574590, 29750258, 10982968, 34196078, 19833837, 34782259, 34996830, 25087612, 16617247, 32126153). ClinVar contains an entry for this variant (Variation ID: 53317). Based on the evidence outlined above, the variant was classified as likely pathogenic.

Labcorp Genetics (formerly Invitae), Labcorp
Classification: Likely pathogenic for Cystic fibrosis. Last evaluated: 2025-12-22. Review status: criteria provided, single submitter. Criteria: Invitae Variant Classification Sherloc (09022015). Collection method: clinical testing. Allele origin: germline. Not counted in ClinVar's aggregate classification.
Comment: This sequence change falls in intron 2 of the CFTR gene. It does not directly change the encoded amino acid sequence of the CFTR protein. RNA analysis indicates that this variant induces altered splicing and may result in an absent or altered protein product. This variant is present in population databases (rs200337193, gnomAD 0.005%). This variant has been observed in individual(s) with cystic fibrosis (PMID: 19833837). This variant is also known as 297-3C>T. ClinVar contains an entry for this variant (Variation ID: 53317). Variants that disrupt the consensus splice site are a relatively common cause of aberrant splicing (PMID: 17576681, 9536098). Studies have shown that this variant results in skipping of exon 3, and produces a non-functional protein and/or introduces a premature termination codon (PMID: 7518409). In summary, the currently available evidence indicates that the variant is pathogenic, but additional data are needed to prove that conclusively. Therefore, this variant has been classified as Likely Pathogenic.

Quest Diagnostics Nichols Institute San Juan Capistrano
Classification: Likely pathogenic. Last evaluated: 2025-08-29. Review status: criteria provided, single submitter. Criteria: Quest Diagnostics criteria. Collection method: clinical testing. Allele origin: unknown. Not counted in ClinVar's aggregate classification.
Comment: The CFTR c.165-3C>T variant (also known as c.297-3C>T) has been reported in the published literature in compound heterozygous individuals with Cystic Fibrosis (PMIDs: 7518409 (1994), 8947061 (1996), 19833837 (2009), 26574590 (2015), and 34782259 (2021)). Experimental studies indicated that this variant results in abnormal RNA splicing and exon 3 skipping while producing some residual full-length transcripts (PMIDs: 7518409 (1994), 29750258 (2018), and 33085659 (2020)). The frequency of this variant in the general population (Genome Aggregation Database) is uninformative in the assessment of its pathogenicity. Based on the available information, this variant is classified as likely pathogenic.

Natera, Inc.
Classification: Likely pathogenic for CFTR-related disorders. Last evaluated: 2025-07-31. Review status: criteria provided, single submitter. Criteria: Natera Variant Classification Schema (03/2026). Collection method: clinical testing. Allele origin: germline. Not counted in ClinVar's aggregate classification.
Comment: The c.165-3C>T variant in CFTR is an intronic variant located outside the canonical splice sites. This variant is rare in the general population with a frequency below the threshold expected for the associated phenotype(s). This variant has been observed in one or more individuals affected with the associated recessive disease, as either homozygous or compound heterozygous with a second variant (PMID: 19833837, 7518409). Functional studies show that this variant may disrupt protein function (PMID: 7518409). Computational prediction algorithms indicate this variant is likely to affect gene or protein function. Given the available evidence, this variant is classified as Likely Pathogenic.

Greenwood Genetic Center Diagnostic Laboratories, Greenwood Genetic Center
Classification: Likely pathogenic for CFTR-related disorder. Last evaluated: 2025-02-25. Review status: criteria provided, single submitter. Criteria: ACMG Guidelines, 2015. Collection method: clinical testing. Allele origin: germline. Affected: yes. Not counted in ClinVar's aggregate classification.
Comment: PS3, PM2

Ambry Genetics
Classification: Likely pathogenic for Cystic fibrosis. Last evaluated: 2025-01-03. Review status: criteria provided, single submitter. Criteria: Ambry Variant Classification Scheme 2023. Collection method: clinical testing. Allele origin: germline. Not counted in ClinVar's aggregate classification.
Comment: The c.165-3C>T intronic variant results from a C to T substitution 3 nucleotides upstream from coding exon 3 in the CFTR gene. This alteration was also reported in a fetus with meconium ileus who had p.F508del (Oca F et al. Clin. Chem., 2009 Dec;55:2214-7). In addition, functional studies showed that the variant results in skipping of exon 3 (Bienvenu T et al. Hum. Genet., 1994 Jul;94:65-8; Leman R et al. Nucleic Acids Res, 2018 Sep;46:7913-7923; Joynt AT et al. PLoS Genet, 2020 Oct;16:e1009100). This nucleotide position is highly conserved in available vertebrate species. In silico splice site analysis for this alteration is inconclusive. This variant is considered to be rare based on population cohorts in the Genome Aggregation Database (gnomAD). Based on the majority of available evidence to date, this variant is likely to be pathogenic.

Baylor Genetics
Classification: Likely pathogenic for Bronchiectasis with or without elevated sweat chloride 1. Last evaluated: 2024-03-30. Review status: criteria provided, single submitter. Criteria: ACMG Guidelines, 2015. Collection method: clinical testing. Allele origin: unknown. Not counted in ClinVar's aggregate classification.

Genomic Medicine Center of Excellence, King Faisal Specialist Hospital and Research Centre
Classification: Uncertain significance for Cystic fibrosis. Last evaluated: 2024-03-29. Review status: criteria provided, single submitter. Criteria: ACMG Guidelines, 2015. Collection method: clinical testing. Allele origin: germline. Not counted in ClinVar's aggregate classification.

Blueprint Genetics
Classification: Likely pathogenic for CFTR-related disorders. Last evaluated: 2022-07-16. Review status: criteria provided, single submitter. Criteria: ACMG Guidelines, 2015. Collection method: clinical testing. Allele origin: germline. Affected: yes. Observed: 1 variant allele. Not counted in ClinVar's aggregate classification.

NM_000492.4(CFTR):c.165-3C>T

Genes: CFTR (CF transmembrane conductance regulator; plus strand), LOC113664106 (CFTR intron 2 DNase I hypersensitive site; plus strand). Cytogenetic location: 7q31.2.
Variant type: single nucleotide variant.
Coding change: c.165-3C>T on transcript NM_000492.4 (MANE Select); 3 bases into the intron before coding-DNA position 165, C replaced by T.
Molecular consequence: intron variant.
Genome position (GRCh38, 1-based): chr7:117,509,031, C>T. VCF-style: chr7-117509031-C-T. GRCh37 (hg19) VCF-style: chr7-117149085-C-T.
Identifiers: ClinVar variation 53317 (VCV000053317.31), dbSNP rs200337193, ClinGen allele CA326578.
Genomic context (GRCh38, chr7:117,509,031, plus strand): 5'-AAATAGGACAACTAAAATATTTGCACATGCAACTTATTGGTCCCACTTTTTATTCTTTTG[C>T]AGAGAATGGGATAGAGAGCTGGCTTCAAAGAAAAATCCTAAACTCATTAATGCCCTTCGG-3'